The following is an entry in ClinVar:

NM_000193.4(SHH):c.1178C>G (p.Ala393Gly)

Gene: SHH (sonic hedgehog signaling molecule; minus strand). Cytogenetic location: 7q36.3.
Variant type: single nucleotide variant.
Coding change: c.1178C>G on transcript NM_000193.4 (MANE Select); coding-DNA position 1178, C replaced by G.
Protein change: p.Ala393Gly; replaces alanine 393 with glycine.
Molecular consequence: missense variant. On other transcripts: intron variant (1).
Genome position (GRCh38, 1-based): chr7:155,803,111, G>C on the plus strand (C>G on the coding strand, the complement: SHH is on the minus strand). VCF-style: chr7-155803111-G-C. GRCh37 (hg19) VCF-style: chr7-155595805-G-C.
Other names: c.1178C>G (NM_000193.2, NM_000193.3); c.302-2866C>G (NM_001310462.2); short protein forms A393G.
Identifiers: ClinVar variation 1362086 (VCV001362086.45), dbSNP rs751239867, ClinGen allele CA4586910.
Genomic context (GRCh38, chr7:155,803,111, plus strand): 5'-ACTCTGCCGCCGCCGCCCCCGCGGTCCCCGCCGCCGCTGTCCCCGCCGCGGTCCGTGCGC[G>C]CGGGCGCCAGTGCAGCCAGGAGCGCGTGCGCCAGGCGGAAGGGCGCGAAGGCCCGGTGCG-3'
Protein context (NP_000184.1, residues 383-403): AHALLAALAP[Ala393Gly]RTDRGGDSGG

ClinVar aggregate classification (germline): Conflicting classifications of pathogenicity. Review status: criteria provided, conflicting classifications (1 of 4 stars). 7 submissions from 7 submitters: Uncertain significance (6); Likely benign (1). Last evaluated 2025-08-12.

Conditions:
Schizencephaly. Identifiers: Orphanet 799, MedGen C0266484, MONDO:0010011, OMIM 269160, HP:0010636.
Microphthalmia, isolated, with coloboma 5 (MCOPCB5). Also called: MICROPHTHALMIA/COLOBOMA 5; Microphthalmia with Coloboma 5. Identifiers: Orphanet 98938, MedGen C1968843, MONDO:0012709, OMIM 611638.
Holoprosencephaly 3 (HPE3). Identifiers: Orphanet 2162, MedGen C1840529, MONDO:0007733, OMIM 142945.
Solitary median maxillary central incisor syndrome. Also called: Solitary median maxillary central incisor; SMMCI SYNDROME; FUSED INCISORS; Single Central Incisor Syndrome; SINGLE CENTRAL MAXILLARY INCISOR. Identifiers: MedGen C1840235, MONDO:0007819, OMIM 147250, HP:0006315.
SHH-related disorder. Also called: SHH-related condition; SHH-related disorders.
Inborn genetic diseases. Identifiers: MedGen C0950123, MeSH D030342.

Allele frequency attached by ClinVar (database versions not stated): gnomAD exomes 0.00023; ExAC 0.00034.
gnomAD v4.1: 87 of 1,348,630 alleles (0.0065%); highest among the groups gnomAD compares: Middle Eastern, 0.14%; no homozygotes.

Submissions (7):

Labcorp Genetics (formerly Invitae), Labcorp
Classification: Uncertain significance for Holoprosencephaly 3. Last evaluated: 2025-08-12. Review status: criteria provided, single submitter. Criteria: Invitae Variant Classification Sherloc (09022015). Collection method: clinical testing. Allele origin: germline.
Comment: This sequence change replaces alanine, which is neutral and non-polar, with glycine, which is neutral and non-polar, at codon 393 of the SHH protein (p.Ala393Gly). This variant is present in population databases (rs751239867, gnomAD 0.06%), and has an allele count higher than expected for a pathogenic variant. This variant has not been reported in the literature in individuals affected with SHH-related conditions. ClinVar contains an entry for this variant (Variation ID: 1362086). An algorithm developed to predict the effect of missense changes on protein structure and function (PolyPhen-2) suggests that this variant is likely to be tolerated. In summary, the available evidence is currently insufficient to determine the role of this variant in disease. Therefore, it has been classified as a Variant of Uncertain Significance.

PreventionGenetics, part of Exact Sciences
Classification: Uncertain significance for SHH-related condition. Last evaluated: 2025-08-04. Review status: criteria provided, single submitter. Criteria: ACMG Guidelines, 2015. Collection method: clinical testing. Allele origin: germline.
Comment: The SHH c.1178C>G variant is predicted to result in the amino acid substitution p.Ala393Gly. To our knowledge, this variant has not been reported in the literature. This variant is reported in 0.060% of alleles in individuals of Ashkenazi Jewish descent in gnomAD. Although we suspect that this variant may be benign, at this time, the clinical significance of this variant is uncertain due to the absence of conclusive functional and genetic evidence.

Blueprint Genetics
Classification: Likely benign. Last evaluated: 2024-06-11. Review status: criteria provided, single submitter. Criteria: ACMG Guidelines, 2015. Collection method: clinical testing. Allele origin: germline.

Ambry Genetics
Classification: Uncertain significance for Inborn genetic diseases. Last evaluated: 2023-11-03. Review status: criteria provided, single submitter. Criteria: Ambry Variant Classification Scheme 2023. Collection method: clinical testing. Allele origin: germline.

CeGaT Center for Human Genetics Tuebingen
Classification: Uncertain significance. Last evaluated: 2023-07-01. Review status: criteria provided, single submitter. Criteria: CeGaT Center For Human Genetics Tuebingen Variant Classification Criteria Version 2. Collection method: clinical testing. Allele origin: germline. Affected: yes. Observed: 1 variant allele.
Comment: SHH: PP2, PP3

Fulgent Genetics
Classification: Uncertain significance for Holoprosencephaly 3; Solitary median maxillary central incisor syndrome; Schizencephaly; Microphthalmia, isolated, with coloboma 5. Last evaluated: 2021-08-07. Review status: criteria provided, single submitter. Criteria: ACMG Guidelines, 2015. Collection method: clinical testing. Allele origin: unknown.

Breakthrough Genomics
Classification: Uncertain significance. Review status: criteria provided, single submitter. Criteria: ACMG Guidelines, 2015. Collection method: not provided. Allele origin: germline. Inheritance: Autosomal recessive inheritance. Affected: yes.